The following is an entry in ClinVar:

NM_005535.3(IL12RB1):c.1765G>A (p.Ala589Thr)

Gene: IL12RB1 (interleukin 12 receptor subunit beta 1; minus strand). Cytogenetic location: 19p13.11.
Variant type: single nucleotide variant.
Coding change: c.1765G>A on transcript NM_005535.3 (MANE Select); coding-DNA position 1765, G replaced by A.
Protein change: p.Ala589Thr; replaces alanine 589 with threonine.
Molecular consequence: missense variant.
Genome position (GRCh38, 1-based): chr19:18,061,148, C>T on the plus strand (G>A on the coding strand, the complement: IL12RB1 is on the minus strand). VCF-style: chr19-18061148-C-T. GRCh37 (hg19) VCF-style: chr19-18171958-C-T.
Other names: c.1765G>A, p.Ala589Thr (NM_001290023.2); c.1885G>A, p.Ala629Thr (NM_001290024.2); short protein forms A589T, A629T.
Identifiers: ClinVar variation 1445577 (VCV001445577.4), dbSNP rs376248199, ClinGen allele CA9304697.

ClinVar aggregate classification (germline): Uncertain significance (1 of 4 stars; one submission).

Conditions:
Mendelian susceptibility to mycobacterial diseases due to complete IL12RB1 deficiency. Also called: IL12RB1 DEFICIENCY; Immunodeficiency 30. Identifiers: Orphanet 319552, MedGen C4013949, MONDO:0013955, OMIM 614891.

Allele frequency attached by ClinVar (database versions not stated): gnomAD exomes below 0.00001; TOPMed below 0.00001; gnomAD 0.00001; ExAC 0.00002; ESP Exome Variant Server 0.00008.
gnomAD v4.1: 3 of 1,600,764 alleles (0.00019%); highest among the groups gnomAD compares: African/African-American, 0.0027%; no homozygotes.

Submission:

Labcorp Genetics (formerly Invitae), Labcorp
Classification: Uncertain significance for Mendelian susceptibility to mycobacterial diseases due to complete IL12RB1 deficiency. Last evaluated: 2021-09-24. Review status: criteria provided, single submitter. Criteria: Invitae Variant Classification Sherloc (09022015). Collection method: clinical testing. Allele origin: germline.
Comment: In summary, the available evidence is currently insufficient to determine the role of this variant in disease. Therefore, it has been classified as a Variant of Uncertain Significance. Algorithms developed to predict the effect of missense changes on protein structure and function are either unavailable or do not agree on the potential impact of this missense change (SIFT: "Deleterious"; PolyPhen-2: "Probably Damaging"; Align-GVGD: "Class C0"). This variant has not been reported in the literature in individuals affected with IL12RB1-related conditions. This variant is present in population databases (rs376248199, ExAC 0.003%). This sequence change replaces alanine with threonine at codon 589 of the IL12RB1 protein (p.Ala589Thr). The alanine residue is highly conserved and there is a small physicochemical difference between alanine and threonine.